The following is an entry in ClinVar:

NM_032259.4(WDR24):c.1827C>T (p.Pro609=)

Gene: WDR24 (WD repeat domain 24; minus strand). Cytogenetic location: 16p13.3.
Variant type: single nucleotide variant.
Coding change: c.1827C>T on transcript NM_032259.4 (MANE Select); coding-DNA position 1827, C replaced by T.
Protein change: p.Pro609=; no amino-acid change (proline 609 retained).
Molecular consequence: synonymous variant.
Genome position (GRCh38, 1-based): chr16:685,449, G>A on the plus strand (C>T on the coding strand, the complement: WDR24 is on the minus strand). VCF-style: chr16-685449-G-A. GRCh37 (hg19) VCF-style: chr16-735449-G-A.
Identifiers: ClinVar variation 4084136 (VCV004084136.8).
Genomic context (GRCh38, chr16:685,449, plus strand): 5'-CGGCAGGCGGCTGTCGTAGAGCGCGTGTGAGACAGACAGGAGCGAGAAGGAGGAGTCCAC[G>A]GGGGCCAGGGAGGCCACATCCGCCTCGCTGCCGCTCACGTGCGGGGAGTCGGCCTTGTCC-3'
Protein context (NP_115635.1, residues 599-619): GSEADVASLA[Pro609=]VDSSFSLLSV

ClinVar aggregate classification (germline): Likely benign (1 of 4 stars; one submission).

Submission:

CeGaT Center for Human Genetics Tuebingen
Classification: Likely benign. Last evaluated: 2025-08-01. Review status: criteria provided, single submitter. Criteria: CeGaT Center For Human Genetics Tuebingen Variant Classification Criteria Version 2. Collection method: clinical testing. Allele origin: germline. Affected: yes. Observed: 1 variant allele.
Comment: WDR24: BP4, BP7